The following is an entry in ClinVar:

NM_014918.5(CHSY1):c.686G>A (p.Arg229Gln)

Gene: CHSY1 (chondroitin sulfate synthase 1; minus strand). Cytogenetic location: 15q26.3.
Variant type: single nucleotide variant.
Coding change: c.686G>A on transcript NM_014918.5 (MANE Select); coding-DNA position 686, G replaced by A.
Protein change: p.Arg229Gln; replaces arginine 229 with glutamine.
Molecular consequence: missense variant.
Genome position (GRCh38, 1-based): chr15:101,235,212, C>T on the plus strand (G>A on the coding strand, the complement: CHSY1 is on the minus strand). VCF-style: chr15-101235212-C-T. GRCh37 (hg19) VCF-style: chr15-101775417-C-T.
Other names: short protein forms R229Q.
Identifiers: ClinVar variation 1405457 (VCV001405457.5), dbSNP rs757665488, ClinGen allele CA7762674.

ClinVar aggregate classification (germline): Uncertain significance (1 of 4 stars; one submission).

Conditions:
Temtamy preaxial brachydactyly syndrome (TPBS). Identifiers: Orphanet 363417, MedGen C1854466, MONDO:0011533, OMIM 605282.

Allele frequency attached by ClinVar (database versions not stated): gnomAD 0.00002; gnomAD exomes 0.00003; TOPMed 0.00005.
gnomAD v4.1: 45 of 1,613,770 alleles (0.0028%); highest among the groups gnomAD compares: Admixed American, 0.012%; no homozygotes.

Submission:

Labcorp Genetics (formerly Invitae), Labcorp
Classification: Uncertain significance for Temtamy preaxial brachydactyly syndrome. Last evaluated: 2022-08-22. Review status: criteria provided, single submitter. Criteria: Invitae Variant Classification Sherloc (09022015). Collection method: clinical testing. Allele origin: germline.
Comment: This sequence change replaces arginine, which is basic and polar, with glutamine, which is neutral and polar, at codon 229 of the CHSY1 protein (p.Arg229Gln). This variant is present in population databases (rs757665488, gnomAD 0.01%). This variant has not been reported in the literature in individuals affected with CHSY1-related conditions. ClinVar contains an entry for this variant (Variation ID: 1405457). Algorithms developed to predict the effect of missense changes on protein structure and function are either unavailable or do not agree on the potential impact of this missense change (SIFT: "Tolerated"; PolyPhen-2: "Probably Damaging"; Align-GVGD: "Class C0"). In summary, the available evidence is currently insufficient to determine the role of this variant in disease. Therefore, it has been classified as a Variant of Uncertain Significance.